The following is an entry in ClinVar:

ClinVar aggregate classification (germline): Uncertain significance (1 of 4 stars; one submission).

Submission:

GeneDx
Classification: Uncertain significance. Last evaluated: 2024-01-09. Review status: criteria provided, single submitter. Criteria: GeneDx Variant Classification Process June 2021. Collection method: clinical testing. Allele origin: germline. Affected: yes.
Comment: Reported using an alternate transcript of the gene; Not observed at significant frequency in large population cohorts (gnomAD); In silico analyses, including protein predictors and evolutionary conservation, support a deleterious effect; Has not been previously published as pathogenic or benign to our knowledge

NM_020988.3(GNAO1):c.723+4073T>C

Gene: GNAO1 (G protein subunit alpha o1; plus strand). Cytogenetic location: 16q13.
Variant type: single nucleotide variant.
Coding change: c.723+4073T>C on transcript NM_020988.3 (MANE Select); 4073 bases into the intron after coding-DNA position 723, T replaced by C.
Molecular consequence: intron variant. On other transcripts: missense variant (1).
Genome position (GRCh38, 1-based): chr16:56,340,933, T>C. VCF-style: chr16-56340933-T-C. GRCh37 (hg19) VCF-style: chr16-56374845-T-C.
Other names: c.823T>C, p.Phe275Leu (NM_138736.3); short protein forms F275L.
Identifiers: ClinVar variation 3367633 (VCV003367633.1).